The following is an entry in ClinVar:

NM_004937.3(CTNS):c.1042G>A (p.Val348Ile)

Gene: CTNS (cystinosin, lysosomal cystine transporter; plus strand). Cytogenetic location: 17p13.2.
Variant type: single nucleotide variant.
Coding change: c.1042G>A on transcript NM_004937.3 (MANE Select); coding-DNA position 1042, G replaced by A.
Protein change: p.Val348Ile; replaces valine 348 with isoleucine.
Molecular consequence: missense variant.
Genome position (GRCh38, 1-based): chr17:3,660,307, G>A. VCF-style: chr17-3660307-G-A. GRCh37 (hg19) VCF-style: chr17-3563601-G-A.
Other names: c.601G>A, p.Val201Ile (NM_001374496.1, NM_001374493.1, NM_001374494.1 and 1 more transcripts); c.1042G>A (NM_004937.2); c.1042G>A, p.Val348Ile (NM_001031681.3, NM_001374492.1); short protein forms V348I, V201I.
Identifiers: ClinVar variation 2200093 (VCV002200093.3), dbSNP rs768600706, ClinGen allele CA8292021.

ClinVar aggregate classification (germline): Uncertain significance. Review status: criteria provided, multiple submitters, no conflicts (2 of 4 stars). 3 submissions from 3 submitters: Uncertain significance (3). Last evaluated 2024-01-15.

Conditions:
Inborn genetic diseases. Identifiers: MedGen C0950123, MeSH D030342.
Ocular cystinosis. Also called: Non-Nephropathic Cystinosis; Non-Nephropathic (Ocular) Cystinosis. Identifiers: Orphanet 213, Orphanet 411641, MedGen C2931013, MONDO:0009064, OMIM 219750.
Nephropathic cystinosis (CTNS). Also called: CYSTINOSIN, DEFECT OF; LYSOSOMAL CYSTINE TRANSPORT PROTEIN, DEFECT OF; Abderhalden Lignac Kaufmann disease; Abderhalden-Kaufmann-Lignac syndrome. Identifiers: Orphanet 213, Orphanet 411629, MedGen C2931187, MONDO:0100151, OMIM 219800.
Juvenile nephropathic cystinosis. Also called: Intermediate Cystinosis; CYSTINOSIS, LATE-ONSET JUVENILE OR ADOLESCENT NEPHROPATHIC TYPE; Later-Onset (Juvenile) Cystinosis. Identifiers: Orphanet 213, Orphanet 411634, MedGen C0268626, MONDO:0009066, OMIM 219900.

Allele frequency attached by ClinVar (database versions not stated): gnomAD 0.00003; TOPMed 0.00005.
gnomAD v4.1: 20 of 1,614,122 alleles (0.0012%); highest among the groups gnomAD compares: East Asian, 0.0089%; no homozygotes.

Submissions (3):

Fulgent Genetics
Classification: Uncertain significance for Ocular cystinosis; Nephropathic cystinosis; Juvenile nephropathic cystinosis. Last evaluated: 2024-01-15. Review status: criteria provided, single submitter. Criteria: ACMG Guidelines, 2015. Collection method: clinical testing. Allele origin: germline.

Ambry Genetics
Classification: Uncertain significance for Inborn genetic diseases. Last evaluated: 2022-12-05. Review status: criteria provided, single submitter. Criteria: Ambry Variant Classification Scheme 2023. Collection method: clinical testing. Allele origin: germline.

Labcorp Genetics (formerly Invitae), Labcorp
Classification: Uncertain significance for Inborn genetic diseases; Ocular cystinosis; Juvenile nephropathic cystinosis. Last evaluated: 2022-05-22. Review status: criteria provided, single submitter. Criteria: Invitae Variant Classification Sherloc (09022015). Collection method: clinical testing. Allele origin: germline.
Comment: This sequence change replaces valine, which is neutral and non-polar, with isoleucine, which is neutral and non-polar, at codon 348 of the CTNS protein (p.Val348Ile). This variant is present in population databases (rs768600706, gnomAD 0.01%). This variant has not been reported in the literature in individuals affected with CTNS-related conditions. Advanced modeling of protein sequence and biophysical properties (such as structural, functional, and spatial information, amino acid conservation, physicochemical variation, residue mobility, and thermodynamic stability) performed at Invitae indicates that this missense variant is not expected to disrupt CTNS protein function. In summary, the available evidence is currently insufficient to determine the role of this variant in disease. Therefore, it has been classified as a Variant of Uncertain Significance.